The following is an entry in ClinVar:

NM_014915.3(ANKRD26):c.2000C>T (p.Thr667Ile)

Gene: ANKRD26 (ankyrin repeat domain 26; minus strand). Cytogenetic location: 10p12.1.
Variant type: single nucleotide variant.
Coding change: c.2000C>T on transcript NM_014915.3 (MANE Select); coding-DNA position 2000, C replaced by T.
Protein change: p.Thr667Ile; replaces threonine 667 with isoleucine.
Molecular consequence: missense variant.
Genome position (GRCh38, 1-based): chr10:27,044,176, G>A on the plus strand (C>T on the coding strand, the complement: ANKRD26 is on the minus strand). VCF-style: chr10-27044176-G-A. GRCh37 (hg19) VCF-style: chr10-27333105-G-A.
Other names: c.1997C>T, p.Thr666Ile (NM_001256053.2); short protein forms T666I, T667I.
Identifiers: ClinVar variation 5023638 (VCV005023638.1).
Genomic context (GRCh38, chr10:27,044,176, plus strand): 5'-TTTTTTAAACAATAATTTTGATAATTTATTTTTTACAGTACCTTGTTCTTTTCATTAGAT[G>A]TTTTCTTAGTAGGCCTAAAAAAAAAAAATACCTTTCAGGCAAATAGTAAACATGTAAAAT-3'
Protein context (NP_055730.2, residues 657-677): DEDEGRPTKK[Thr667Ile]SNEKNKVKNQ

ClinVar aggregate classification (germline): Uncertain significance (1 of 4 stars; one submission).

Conditions:
Inborn genetic diseases. Identifiers: MedGen C0950123, MeSH D030342.

Submission:

Ambry Genetics
Classification: Uncertain significance for Inborn genetic diseases. Last evaluated: 2026-08-23. Review status: criteria provided, single submitter. Criteria: Ambry Variant Classification Scheme 2023. Collection method: clinical testing. Allele origin: germline.
Comment: The p.T667I variant (also known as c.2000C>T), located in coding exon 19 of the ANKRD26 gene, results from a C to T substitution at nucleotide position 2000. The threonine at codon 667 is replaced by isoleucine, an amino acid with similar properties. This amino acid position is conserved. In addition, this alteration is predicted to be tolerated by in silico analysis. Based on the available evidence, the clinical significance of this variant remains unclear.